The following is an entry in ClinVar:

ClinVar aggregate classification (germline): Uncertain significance (1 of 4 stars; one submission).

Conditions:
Lymphatic malformation 6 (LMPHM6). Also called: GENERALIZED LYMPHATIC DYSPLASIA OF FOTIOU; Lymphedema, hereditary, III; PIEZO1-related generalized lymphatic dysplasia with non-immune hydrops fetalis. Identifiers: Orphanet 568062, MedGen C4225184, MONDO:0014797, OMIM 616843.
Dehydrated hereditary stomatocytosis with or without pseudohyperkalemia and/or perinatal edema (DHS1). Also called: PSEUDOHYPERKALEMIA EDINBURGH; DEHYDRATED HEREDITARY STOMATOCYTOSIS AND PSEUDOHYPERKALEMIA; DEHYDRATED HEREDITARY STOMATOCYTOSIS WITH PSEUDOHYPERKALEMIA AND PERINATAL EDEMA; Pseudohyperkalemia, familial, 1, due to red cell leak; Dehydrated hereditary stomatocytosis 1 with or without pseudohyperkalemia and/or perinatal edema. Identifiers: Orphanet 3202, MedGen C4551512, MONDO:0008689, OMIM 194380.

Submission:

Clinical Genomics Laboratory, Washington University in St. Louis
Classification: Uncertain significance for Lymphatic malformation 6; Dehydrated hereditary stomatocytosis with or without pseudohyperkalemia and/or perinatal edema. Last evaluated: 2026-04-17. Review status: criteria provided, single submitter. Criteria: ACMG Guidelines, 2015. Collection method: clinical testing. Allele origin: germline.
Comment: A PIEZO1 c.5365C>A (p.Gln1789Lys) variant was identified at a near heterozygous allelic fraction of 47.2%, a frequency which may be consistent with it being of germline origin. This variant, to our knowledge, has not been reported in the medical literature or the ClinVar database. It is absent from the general population (gnomAD v4.1.1), indicating it is not a common variant. Computational predictors suggest that the variant does not impact PIEZO1 function. Due to limited information, and based on ACMG/AMP guidelines for variant interpretation (Richards S et al., PMID: 25741868), the clinical significance of this variant is uncertain at this time.

Literature cited by the submitters: uncertain.

NM_001142864.4(PIEZO1):c.5365C>A (p.Gln1789Lys)

Gene: PIEZO1 (piezo type mechanosensitive ion channel component 1 (Er blood group); minus strand). Cytogenetic location: 16q24.3.
Variant type: single nucleotide variant.
Coding change: c.5365C>A on transcript NM_001142864.4 (MANE Select); coding-DNA position 5365, C replaced by A.
Protein change: p.Gln1789Lys; replaces glutamine 1789 with lysine.
Molecular consequence: missense variant.
Genome position (GRCh38, 1-based): chr16:88,721,576, G>T on the plus strand (C>A on the coding strand, the complement: PIEZO1 is on the minus strand). VCF-style: chr16-88721576-G-T. GRCh37 (hg19) VCF-style: chr16-88787984-G-T.
Other names: short protein forms Q1789K.
Identifiers: ClinVar variation 4974650 (VCV004974650.1).